The following is an entry in ClinVar:

NM_003482.4(KMT2D):c.11639T>A (p.Leu3880Gln)

Gene: KMT2D (lysine methyltransferase 2D; minus strand). Cytogenetic location: 12q13.12.
Variant type: single nucleotide variant.
Coding change: c.11639T>A on transcript NM_003482.4 (MANE Select); coding-DNA position 11639, T replaced by A.
Protein change: p.Leu3880Gln; replaces leucine 3880 with glutamine.
Molecular consequence: missense variant.
Genome position (GRCh38, 1-based): chr12:49,033,066, A>T on the plus strand (T>A on the coding strand, the complement: KMT2D is on the minus strand). VCF-style: chr12-49033066-A-T. GRCh37 (hg19) VCF-style: chr12-49426849-A-T.
Other names: short protein forms L3880Q.
Identifiers: ClinVar variation 3711497 (VCV003711497.2).

ClinVar aggregate classification (germline): Uncertain significance (1 of 4 stars; one submission).

Conditions:
Kabuki syndrome. Also called: Kabuki make-up syndrome; NIIKAWA-KUROKI SYNDROME. Identifiers: Orphanet 2322, MedGen C0796004, MONDO:0016512.

gnomAD v4.1: 5 of 1,551,132 alleles (0.00032%); highest among the groups gnomAD compares: Non-Finnish European, 0.00044%; no homozygotes.

Submission:

Labcorp Genetics (formerly Invitae), Labcorp
Classification: Uncertain significance for Kabuki syndrome. Last evaluated: 2024-06-11. Review status: criteria provided, single submitter. Criteria: Invitae Variant Classification Sherloc (09022015). Collection method: clinical testing. Allele origin: germline.
Comment: This sequence change replaces leucine, which is neutral and non-polar, with glutamine, which is neutral and polar, at codon 3880 of the KMT2D protein (p.Leu3880Gln). This variant is not present in population databases (gnomAD no frequency). This variant has not been reported in the literature in individuals affected with KMT2D-related conditions. Advanced modeling of protein sequence and biophysical properties (such as structural, functional, and spatial information, amino acid conservation, physicochemical variation, residue mobility, and thermodynamic stability) performed at Invitae indicates that this missense variant is not expected to disrupt KMT2D protein function with a negative predictive value of 95%. In summary, the available evidence is currently insufficient to determine the role of this variant in disease. Therefore, it has been classified as a Variant of Uncertain Significance.